The following is an entry in ClinVar:

ClinVar aggregate classification (germline): not provided (0 of 4 stars; one submission).

Conditions:
Gestational diabetes mellitus uncontrolled. Identifiers: MedGen C3532257.

Submission:

Institute of Molecular and Cell Biology, University of Tartu
No classification provided. Condition: Gestational diabetes mellitus uncontrolled. Review status: no classification provided. Collection method: case-control. Allele origin: unknown. Affected: yes. Study: Kasak2014.
Comment: The study aimed to determine the contribution of copy number variants in the genetic etiology of normal and complicated pregnancies. The samples represented (i) maternal blood DNA drawn from healthy pregnant women during 1st or 2nd trimester and (ii) maternal and paternal blood DNA drawn at term pregnancy cases representing normal and complicated gestations (severe preeclampsia, PE; gestational diabetes, GD; small-for-gestational age newborn, SGA; large-for-gestational age newborn, LGA). We performed CNV calling based on genome-wide genotyping dataset (Illumina HumanOmniExpress-24-v1 BeadChip) by applying three algorithms, QuantiSNP, GADA (Genome Alteration Detection Algorithm) and CNstream in parallel. The acquired CNV calls were merged with HD-CNV (Hotspot Detector for Copy Number Variants) program and only the CNVs predicted by at least two programs, were considered in subsequent analysis.

Literature cited by the submitters: PubMed 25666259.

NC_000019.10:g.51770004_52114045dup

Genes: ZNF616 (zinc finger protein 616; minus strand), ZNF649 (zinc finger protein 649; minus strand), ZNF649-AS1 (ZNF649 antisense RNA 1; plus strand), ZNF841 (zinc finger protein 841; minus strand), FPR2 (formyl peptide receptor 2; plus strand) and 17 more. Cytogenetic location: 19q13.41.
Variant type: Duplication.
Identifiers: ClinVar variation 157458 (VCV000157458.2).